The following is an entry in ClinVar:

ClinVar aggregate classification (germline): Likely pathogenic (1 of 4 stars; one submission).

Conditions:
Sandhoff disease. Also called: GM2-GANGLIOSIDOSIS, TYPE II; HEXOSAMINIDASES A AND B DEFICIENCY; Beta-hexosaminidase-beta-subunit deficiency; GM2 gangliosidosis, type 2; Total hexosaminidase deficiency; Sandhoff-Jatzkewitz-Pilz disease. Identifiers: Orphanet 796, MedGen C0036161, MONDO:0010006, OMIM 268800.

Submission:

Labcorp Genetics (formerly Invitae), Labcorp
Classification: Likely pathogenic for Sandhoff disease. Last evaluated: 2022-08-30. Review status: criteria provided, single submitter. Criteria: Invitae Variant Classification Sherloc (09022015). Collection method: clinical testing. Allele origin: germline.
Comment: In summary, the currently available evidence indicates that the variant is pathogenic, but additional data are needed to prove that conclusively. Therefore, this variant has been classified as Likely Pathogenic. This variant disrupts the p.Cys137 amino acid residue in HEXB. Other variant(s) that disrupt this residue have been determined to be pathogenic (PMID: 17237499, 23113155). This suggests that this residue is clinically significant, and that variants that disrupt this residue are likely to be disease-causing. Advanced modeling of protein sequence and biophysical properties (such as structural, functional, and spatial information, amino acid conservation, physicochemical variation, residue mobility, and thermodynamic stability) performed at Invitae indicates that this missense variant is expected to disrupt HEXB protein function. This variant has not been reported in the literature in individuals affected with HEXB-related conditions. This variant is not present in population databases (gnomAD no frequency). This sequence change replaces cysteine, which is neutral and slightly polar, with arginine, which is basic and polar, at codon 137 of the HEXB protein (p.Cys137Arg).

Literature cited by the submitters: PubMed 17237499; PubMed 23113155.

NM_000521.4(HEXB):c.409T>C (p.Cys137Arg)

Gene: HEXB (hexosaminidase subunit beta; plus strand). Cytogenetic location: 5q13.3.
Variant type: single nucleotide variant.
Coding change: c.409T>C on transcript NM_000521.4 (MANE Select); coding-DNA position 409, T replaced by C.
Protein change: p.Cys137Arg; replaces cysteine 137 with arginine.
Molecular consequence: missense variant. On other transcripts: 5 prime UTR variant (1).
Genome position (GRCh38, 1-based): chr5:74,689,437, T>C. VCF-style: chr5-74689437-T-C. GRCh37 (hg19) VCF-style: chr5-73985262-T-C.
Other names: c.-267T>C (NM_001292004.2); short protein forms C137R.
Identifiers: ClinVar variation 2007662 (VCV002007662.4), dbSNP rs1748946273, ClinGen allele CA360063091.